The following is an entry in ClinVar:

ClinVar aggregate classification (germline): Uncertain significance (1 of 4 stars; one submission).

Conditions:
Familial melanoma. Also called: Hereditary melanoma; Hereditary cutaneous melanoma. Identifiers: Orphanet 618, MedGen C1512419, MONDO:0018961.

Submission:

Labcorp Genetics (formerly Invitae), Labcorp
Classification: Uncertain significance for Familial melanoma. Last evaluated: 2024-08-15. Review status: criteria provided, single submitter. Criteria: Invitae Variant Classification Sherloc (09022015). Collection method: clinical testing. Allele origin: germline.
Comment: This sequence change replaces methionine, which is neutral and non-polar, with valine, which is neutral and non-polar, at codon 275 of the CDK4 protein (p.Met275Val). This variant is not present in population databases (gnomAD no frequency). This variant has not been reported in the literature in individuals affected with CDK4-related conditions. An algorithm developed to predict the effect of missense changes on protein structure and function (PolyPhen-2) suggests that this variant is likely to be tolerated. In summary, the available evidence is currently insufficient to determine the role of this variant in disease. Therefore, it has been classified as a Variant of Uncertain Significance.

NM_000075.4(CDK4):c.823A>G (p.Met275Val)

Genes: CDK4 (cyclin dependent kinase 4; minus strand), TSPAN31 (tetraspanin 31; plus strand). Cytogenetic location: 12q14.1.
Variant type: single nucleotide variant.
Coding change: c.823A>G on transcript NM_000075.4 (MANE Select); coding-DNA position 823, A replaced by G.
Protein change: p.Met275Val; replaces methionine 275 with valine.
Molecular consequence: missense variant. On other transcripts: 3 prime UTR variant (3).
Genome position (GRCh38, 1-based): chr12:57,748,614, T>C on the plus strand (A>G on the coding strand, the complement: CDK4 is on the minus strand). VCF-style: chr12-57748614-T-C. GRCh37 (hg19) VCF-style: chr12-58142397-T-C.
Other names: c.*1324T>C (NM_001330168.2, NM_001330169.2, NM_005981.5); short protein forms M275V.
Identifiers: ClinVar variation 3624339 (VCV003624339.2).